The following is an entry in ClinVar:

NM_001267550.2(TTN):c.97294_97295del (p.Leu32432fs)

Genes: TTN-AS1 (TTN antisense RNA 1; plus strand), TTN (titin; minus strand). Cytogenetic location: 2q31.2.
Variant type: Deletion.
Coding change: c.97294_97295del on transcript NM_001267550.2 (MANE Select); coding-DNA positions 97294 to 97295, 2 bases deleted (CT; older notation c.97294_97295delCT).
Protein change: p.Leu32432fs; shifts the reading frame from leucine 32432.
Molecular consequence: frameshift variant.
Genome position (GRCh38, 1-based): chr2:178,542,461-178,542,462, AG deleted on the plus strand (CT on the coding strand, the reverse complement: TTN is on the minus strand). VCF-style (leftmost placement, unchanged base first): chr2-178542460-CAG-C. GRCh37 (hg19) VCF-style: chr2-179407187-CAG-C.
Other names: c.92371_92372del, p.Leu30791fs (NM_001256850.1); c.70099_70100del, p.Leu23367fs (NM_003319.4); c.89590_89591del, p.Leu29864fs (NM_133378.4); c.70474_70475del, p.Leu23492fs (NM_133432.3); c.70675_70676del, p.Leu23559fs (NM_133437.4); short protein forms L23367fs, L23492fs, L29864fs, L23559fs, L30791fs, L32432fs.
Identifiers: ClinVar variation 1470716 (VCV001470716.8), dbSNP rs2154142563, ClinGen allele CA2573134074.

ClinVar aggregate classification (germline): Likely pathogenic (1 of 4 stars; one submission).

Conditions:
Dilated cardiomyopathy 1G (CMD1G). Identifiers: Orphanet 154, MedGen C1858763, MONDO:0011400, OMIM 604145.
Autosomal recessive limb-girdle muscular dystrophy type 2J (LGMDR10). Also called: Limb-girdle muscular dystrophy, type 2J; MUSCULAR DYSTROPHY, LIMB-GIRDLE, AUTOSOMAL RECESSIVE 10. Identifiers: Orphanet 140922, MedGen C1837342, MONDO:0012127, OMIM 608807.

Submission:

Labcorp Genetics (formerly Invitae), Labcorp
Classification: Likely pathogenic for Dilated cardiomyopathy 1G; Autosomal recessive limb-girdle muscular dystrophy type 2J. Last evaluated: 2021-01-21. Review status: criteria provided, single submitter. Criteria: Invitae Variant Classification Sherloc (09022015). Collection method: clinical testing. Allele origin: germline.
Comment: This variant is not present in population databases (ExAC no frequency). This sequence change creates a premature translational stop signal (p.Leu32432Glufs*9) in the TTN gene. While this is not anticipated to result in nonsense mediated decay, it is expected to create a truncated TTN protein. This variant has not been reported in the literature in individuals with TTN-related conditions. Algorithms developed to predict the effect of sequence changes on RNA splicing suggest that this variant may create or strengthen a splice site, but this prediction has not been confirmed by published transcriptional studies. This variant is located in the A band of TTN (PMID: 25589632). Truncating variants in this region are significantly overrepresented in patients affected with dilated cardiomyopathy (PMID: 25589632). Truncating variants in this region have also been reported in individuals affected with autosomal recessive centronuclear myopathy (PMID: 23975875). In summary, the currently available evidence indicates that the variant is pathogenic, but additional data are needed to prove that conclusively. Therefore, this variant has been classified as Likely Pathogenic.

Literature cited by the submitters: PubMed 25589632; PubMed 23975875.